The following is an entry in ClinVar:

ClinVar aggregate classification (germline): Conflicting classifications of pathogenicity. Review status: criteria provided, conflicting classifications (1 of 4 stars). 4 submissions from 4 submitters: Uncertain significance (1); Benign (1); Likely benign (2). Last evaluated 2026-02-03.

Conditions:
DYRK1A-related intellectual disability syndrome (MRD7). Also called: Intellectual developmental disorder, autosomal dominant 7; DYRK1A Syndrome. Identifiers: Orphanet 464306, MedGen C5568143, MONDO:0013578, OMIM 614104.
Inborn genetic diseases. Identifiers: MedGen C0950123, MeSH D030342.

Allele frequency attached by ClinVar (database versions not stated): gnomAD exomes below 0.00001 and 0.00002; ExAC 0.00001; gnomAD 0.00011 and 0.00014; TOPMed 0.00014.
gnomAD v4.1: 26 of 1,614,086 alleles (0.0016%); highest among the groups gnomAD compares: African/African-American, 0.029%; no homozygotes.

Submissions (4):

Women's Health and Genetics/Laboratory Corporation of America, LabCorp
Classification: Uncertain significance. Last evaluated: 2026-02-03. Review status: criteria provided, single submitter. Criteria: LabCorp Variant Classification Summary - May 2015. Collection method: clinical testing. Allele origin: germline.
Comment: Variant summary: DYRK1A c.2025A>C (p.Gln675His) results in a non-conservative amino acid change in the encoded protein sequence. Algorithms developed to predict the effect of missense changes on protein structure and function are either unavailable or do not agree on the potential impact of this missense change. The variant allele was found at a frequency of 1.6e-05 in 251444 control chromosomes. The available data on variant occurrences in the general population are insufficient to allow any conclusion about variant significance. To our knowledge, no occurrence of c.2025A>C in individuals affected with DYRK1A-related conditions and no experimental evidence demonstrating its impact on protein function have been reported. ClinVar contains an entry for this variant (Variation ID: 539574). Based on the evidence outlined above, the variant was classified as uncertain significance.

Labcorp Genetics (formerly Invitae), Labcorp
Classification: Benign for DYRK1A-related intellectual disability syndrome. Last evaluated: 2026-01-17. Review status: criteria provided, single submitter. Criteria: Invitae Variant Classification Sherloc (09022015). Collection method: clinical testing. Allele origin: germline.

Ambry Genetics
Classification: Likely benign for Inborn genetic diseases. Last evaluated: 2022-09-14. Review status: criteria provided, single submitter. Criteria: Ambry Variant Classification Scheme 2023. Collection method: clinical testing. Allele origin: germline.

GeneDx
Classification: Likely benign. Last evaluated: 2019-08-16. Review status: criteria provided, single submitter. Criteria: GeneDx Variant Classification Process June 2021. Collection method: clinical testing. Allele origin: germline. Affected: yes.

NM_001347721.2(DYRK1A):c.1998A>C (p.Gln666His)

Gene: DYRK1A (dual specificity tyrosine phosphorylation regulated kinase 1A; plus strand). Cytogenetic location: 21q22.13.
Variant type: single nucleotide variant.
Coding change: c.1998A>C on transcript NM_001347721.2 (MANE Select); coding-DNA position 1998, A replaced by C.
Protein change: p.Gln666His; replaces glutamine 666 with histidine.
Molecular consequence: missense variant. On other transcripts: 3 prime UTR variant (2).
Genome position (GRCh38, 1-based): chr21:37,512,264, A>C. VCF-style: chr21-37512264-A-C. GRCh37 (hg19) VCF-style: chr21-38884567-A-C.
Other names: c.1998A>C, p.Gln666His (NM_001347722.2, NM_130436.2); c.1911A>C, p.Gln637His (NM_001347723.2); c.2025A>C, p.Gln675His (NM_001396.5); c.*401A>C (NM_101395.2); c.*310A>C (NM_130438.2); short protein forms Q675H, Q637H, Q666H.
Identifiers: ClinVar variation 539574 (VCV000539574.16), dbSNP rs756785454, ClinGen allele CA10024146.
Genomic context (GRCh38, chr21:37,512,264, plus strand): 5'-GACATCCCTGTCTTCCTCAACGACTTCTTCCTCGACATCTTCCTCCTCTACTGGTAACCA[A>C]GGCAATCAGGCCTACCAGAATCGCCCAGTGGCTGCTAATACCTTGGACTTTGGACAGAAT-3'
Protein context (NP_001334650.1, residues 656-676): SSTSSSSTGN[Gln666His]GNQAYQNRPV